The following is an entry in ClinVar:

ClinVar aggregate classification (germline): Benign (1 of 4 stars; one submission).

Conditions:
Leber congenital amaurosis 16 (LCA16). Identifiers: Orphanet 65, MedGen C3280062, MONDO:0013613, OMIM 614186.

Allele frequency attached by ClinVar (database versions not stated): 1000 Genomes Project 0.14058; 1000 Genomes Project 30x 0.14663; TOPMed 0.18397; gnomAD 0.19026 and 0.19434.
gnomAD v4.1: 33,776 of 178,820 alleles (19%); highest among the groups gnomAD compares: Non-Finnish European, 22%; 3,556 homozygotes.

Submission:

Illumina Laboratory Services, Illumina
Classification: Benign for Leber congenital amaurosis 16. Last evaluated: 2018-01-13. Review status: criteria provided, single submitter. Criteria: ICSL Variant Classification Criteria 13 December 2019. Collection method: clinical testing. Allele origin: germline.
Comment: This variant was observed in the ICSL laboratory as part of a predisposition screen in an ostensibly healthy population. It had not been previously curated by ICSL or reported in the Human Gene Mutation Database (HGMD: prior to June 1st, 2018), and was therefore a candidate for classification through an automated scoring system. Utilizing variant allele frequency, disease prevalence and penetrance estimates, and inheritance mode, an automated score was calculated to assess if this variant is too frequent to cause the disease. Based on the score and internal cut-off values, a variant classified as benign is not then subjected to further curation. The score for this variant resulted in a classification of benign for this disease.

NM_002242.4(KCNJ13):c.*1839A>G

Genes: GIGYF2 (GRB10 interacting GYF protein 2; plus strand), KCNJ13 (potassium inwardly rectifying channel subfamily J member 13; minus strand). Cytogenetic location: 2q37.1.
Variant type: single nucleotide variant.
Coding change: c.*1839A>G on transcript NM_002242.4 (MANE Select); 1839 bases downstream of the stop codon, A replaced by G.
Molecular consequence: 3 prime UTR variant. On other transcripts: intron variant (4).
Genome position (GRCh38, 1-based): chr2:232,766,352, T>C on the plus strand (A>G on the coding strand, the complement: KCNJ13 is on the minus strand). VCF-style: chr2-232766352-T-C. GRCh37 (hg19) VCF-style: chr2-233631062-T-C.
Other names: c.*2401A>G (NM_001172416.1); c.*1839A>G (NM_001172417.1); c.532+4916T>C (NM_001103146.3, NM_015575.4, NM_001103147.2 and 1 more transcripts).
Identifiers: ClinVar variation 335032 (VCV000335032.5), dbSNP rs34063802, ClinGen allele CA10612796.